The following is an entry in ClinVar:

ClinVar aggregate classification (germline): Conflicting classifications of pathogenicity. Review status: criteria provided, conflicting classifications (1 of 4 stars). 4 submissions from 4 submitters: Uncertain significance (3); Likely benign (1). Last evaluated 2025-11-18.

Conditions:
Inborn genetic diseases. Identifiers: MedGen C0950123, MeSH D030342.

Allele frequency attached by ClinVar (database versions not stated): 1000 Genomes Project 30x 0.00031; TOPMed 0.00031; 1000 Genomes Project 0.00040; ESP Exome Variant Server 0.00042.
gnomAD v4.1: 67 of 1,614,042 alleles (0.0042%); highest among the groups gnomAD compares: African/African-American, 0.079%; no homozygotes.

Submissions (4):

Labcorp Genetics (formerly Invitae), Labcorp
Classification: Likely benign. Last evaluated: 2025-11-18. Review status: criteria provided, single submitter. Criteria: Invitae Variant Classification Sherloc (09022015). Collection method: clinical testing. Allele origin: germline.

GeneDx
Classification: Uncertain significance. Last evaluated: 2023-07-06. Review status: criteria provided, single submitter. Criteria: GeneDx Variant Classification Process June 2021. Collection method: clinical testing. Allele origin: germline. Affected: yes.
Comment: In silico analysis supports that this missense variant has a deleterious effect on protein structure/function; Has not been previously published as pathogenic or benign to our knowledge

Ambry Genetics
Classification: Uncertain significance for Inborn genetic diseases. Last evaluated: 2023-07-05. Review status: criteria provided, single submitter. Criteria: Ambry Variant Classification Scheme 2023. Collection method: clinical testing. Allele origin: germline.

Genetic Services Laboratory, University of Chicago
Classification: Uncertain significance. Last evaluated: 2014-10-27. Review status: criteria provided, single submitter. Criteria: ACMG Guidelines, 2015. Collection method: clinical testing. Allele origin: germline.

NM_001194998.2(CEP152):c.3071G>T (p.Arg1024Leu)

Gene: CEP152 (centrosomal protein 152; minus strand). Cytogenetic location: 15q21.1.
Variant type: single nucleotide variant.
Coding change: c.3071G>T on transcript NM_001194998.2 (MANE Select); coding-DNA position 3071, G replaced by T.
Protein change: p.Arg1024Leu; replaces arginine 1024 with leucine.
Molecular consequence: missense variant.
Genome position (GRCh38, 1-based): chr15:48,756,177, C>A on the plus strand (G>T on the coding strand, the complement: CEP152 is on the minus strand). VCF-style: chr15-48756177-C-A. GRCh37 (hg19) VCF-style: chr15-49048374-C-A.
Other names: c.3071G>T, p.Arg1024Leu (NM_014985.4); short protein forms R1024L.
Identifiers: ClinVar variation 210687 (VCV000210687.16), dbSNP rs199914670, ClinGen allele CA207895.